The following is an entry in ClinVar:

ClinVar aggregate classification (germline): Uncertain significance. Review status: criteria provided, multiple submitters, no conflicts (2 of 4 stars). 2 submissions from 2 submitters: Uncertain significance (2). Last evaluated 2025-12-23.

Allele frequency attached by ClinVar (database versions not stated): gnomAD 0.00003; gnomAD exomes 0.00004; ExAC 0.00007; TOPMed 0.00008.
gnomAD v4.1: 27 of 1,614,094 alleles (0.0017%); highest among the groups gnomAD compares: Admixed American, 0.045%; no homozygotes.

Submissions (2):

Labcorp Genetics (formerly Invitae), Labcorp
Classification: Uncertain significance. Last evaluated: 2025-12-23. Review status: criteria provided, single submitter. Criteria: Invitae Variant Classification Sherloc (09022015). Collection method: clinical testing. Allele origin: germline.
Comment: This sequence change replaces leucine, which is neutral and non-polar, with valine, which is neutral and non-polar, at codon 243 of the KLF11 protein (p.Leu243Val). This variant is present in population databases (rs757134386, gnomAD 0.07%), and has an allele count higher than expected for a pathogenic variant. This variant has not been reported in the literature in individuals affected with KLF11-related conditions. ClinVar contains an entry for this variant (Variation ID: 2180678). An algorithm developed to predict the effect of missense changes on protein structure and function (PolyPhen-2) suggests that this variant is likely to be tolerated. In summary, the available evidence is currently insufficient to determine the role of this variant in disease. Therefore, it has been classified as a Variant of Uncertain Significance.

Ambry Genetics
Classification: Uncertain significance. Last evaluated: 2025-09-28. Review status: criteria provided, single submitter. Criteria: Ambry Variant Classification Scheme 2023. Collection method: clinical testing. Allele origin: germline.

NM_003597.5(KLF11):c.727C>G (p.Leu243Val)

Gene: KLF11 (KLF transcription factor 11; plus strand). Cytogenetic location: 2p25.1.
Variant type: single nucleotide variant.
Coding change: c.727C>G on transcript NM_003597.5 (MANE Select); coding-DNA position 727, C replaced by G.
Protein change: p.Leu243Val; replaces leucine 243 with valine.
Molecular consequence: missense variant.
Genome position (GRCh38, 1-based): chr2:10,048,064, C>G. VCF-style: chr2-10048064-C-G. GRCh37 (hg19) VCF-style: chr2-10188191-C-G.
Other names: c.676C>G, p.Leu226Val (NM_001177716.2, NM_001177718.2); c.727C>G (NM_003597.4); short protein forms L243V, L226V.
Identifiers: ClinVar variation 2180678 (VCV002180678.5), dbSNP rs757134386, ClinGen allele CA1525593.
Genomic context (GRCh38, chr2:10,048,064, plus strand): 5'-TTACTCAGCACTAACTTGGTGTCCTGTCAGCCCTGCTTGCACAAGTCTGGTGGCCTGCTG[C>G]TCACTGACAAAGGCCAGCAGGCAGGGTGGCCTGGTGCAGTTCAGACTTGCTCACCAAAGA-3'
Protein context (NP_003588.1, residues 233-253): PCLHKSGGLL[Leu243Val]TDKGQQAGWP